The following is an entry in ClinVar:

NM_000501.4(ELN):c.1150+2T>C

Gene: ELN (elastin; plus strand). Cytogenetic location: 7q11.23.
Variant type: single nucleotide variant.
Coding change: c.1150+2T>C on transcript NM_000501.4 (MANE Select); the canonical splice donor site of the intron after coding-DNA position 1150, T replaced by C.
Molecular consequence: splice donor variant.
Genome position (GRCh38, 1-based): chr7:74,054,771, T>C. VCF-style: chr7-74054771-T-C. GRCh37 (hg19) VCF-style: chr7-73469101-T-C.
Other names: NC_000007.13:g.73469101T>C; c.1165+2T>C (NM_001081754.3, NM_001081753.3); c.1150+2T>C (NM_001278939.2, NM_001278915.2, NM_001278912.2 and 1 more transcripts); c.1108+2T>C (NM_001278916.2); c.1042+2T>C (NM_001278913.2); c.1135+2T>C (NM_001278914.2); c.1120+2T>C (NM_001278917.2, NM_001081752.3); c.1018+2T>C (NM_001278918.2).
Identifiers: ClinVar variation 1327647 (VCV001327647.4), dbSNP rs782126415, ClinGen allele CA4292861.

ClinVar aggregate classification (germline): Uncertain significance. Review status: criteria provided, multiple submitters, no conflicts (2 of 4 stars). 2 submissions from 2 submitters: Uncertain significance (2). Last evaluated 2022-03-23.

Allele frequency attached by ClinVar (database versions not stated): gnomAD exomes below 0.00001; TOPMed below 0.00001; ExAC 0.00001; gnomAD 0.00001.
gnomAD v4.1: 3 of 1,613,868 alleles (0.00019%); highest among the groups gnomAD compares: Non-Finnish European, 0.00025%; no homozygotes.

Submissions (4):

Blueprint Genetics
Classification: Uncertain significance. Last evaluated: 2022-03-23. Review status: criteria provided, single submitter. Criteria: ACMG Guidelines, 2015. Collection method: clinical testing. Allele origin: germline.

GeneDx
Classification: Uncertain significance. Last evaluated: 2021-06-18. Review status: criteria provided, single submitter. Criteria: GeneDx Variant Classification Process June 2021. Collection method: clinical testing. Allele origin: germline. Affected: yes.
Comment: Has not been previously published as pathogenic or benign to our knowledge; Not observed at significant frequency in large population cohorts (Lek et al., 2016); Canonical splice site variant with an unclear effect on protein function; This variant is associated with the following publications: (PMID: 27535533)

Dr. Peter K. Rogan Lab, Western University
No classification provided (evidence only). Condition: Colon adenocarcinoma. Review status: no classification provided. Collection method: in vitro. Allele origin: not applicable. Functional consequence: skipped exon. Not counted in ClinVar's aggregate classification.

Dr. Peter K. Rogan Lab, Western University
No classification provided (evidence only). Condition: Thymoma. Review status: no classification provided. Collection method: in vitro. Allele origin: not applicable. Functional consequence: skipped exon, retained intron. Not counted in ClinVar's aggregate classification.